The following is an entry in ClinVar:

NM_000138.5(FBN1):c.6349A>G (p.Ile2117Val)

Gene: FBN1 (fibrillin 1; minus strand). Cytogenetic location: 15q21.1.
Variant type: single nucleotide variant.
Coding change: c.6349A>G on transcript NM_000138.5 (MANE Select); coding-DNA position 6349, A replaced by G.
Protein change: p.Ile2117Val; replaces isoleucine 2117 with valine.
Molecular consequence: missense variant.
Genome position (GRCh38, 1-based): chr15:48,437,352, T>C on the plus strand (A>G on the coding strand, the complement: FBN1 is on the minus strand). VCF-style: chr15-48437352-T-C. GRCh37 (hg19) VCF-style: chr15-48729549-T-C.
Other names: short protein forms I2117V.
Identifiers: ClinVar variation 927129 (VCV000927129.16), dbSNP rs572754741, ClinGen allele CA056628.

ClinVar aggregate classification (germline): Conflicting classifications of pathogenicity. Review status: criteria provided, conflicting classifications (1 of 4 stars). 5 submissions from 5 submitters: Uncertain significance (4); Benign (1). Last evaluated 2026-01-06.

Conditions:
FBN1-related disorder. Also called: FBN1-related disorders.
Marfan syndrome (MFS). Also called: Marfan syndrome, classic; Marfan syndrome type 1; Marfan's syndrome; FBN1-Related Marfan Syndrome; MARFAN SYNDROME, TYPE I. Identifiers: Orphanet 284963, Orphanet 558, MedGen C0024796, MONDO:0007947, OMIM 154700.
Familial thoracic aortic aneurysm and aortic dissection (TAAD). Also called: Thoracic aortic aneurysms and dissections. Identifiers: Orphanet 91387, MedGen C4707243, MONDO:0019625.

Allele frequency attached by ClinVar (database versions not stated): ExAC 0.00001; TOPMed 0.00005; gnomAD exomes below 0.00001; gnomAD 0.00001; 1000 Genomes Project 0.00020; 1000 Genomes Project 30x 0.00031.
gnomAD v4.1: 6 of 1,613,636 alleles (0.00037%); highest among the groups gnomAD compares: African/African-American, 0.008%; no homozygotes.

Submissions (5):

Labcorp Genetics (formerly Invitae), Labcorp
Classification: Benign for Marfan syndrome; Familial thoracic aortic aneurysm and aortic dissection. Last evaluated: 2026-01-06. Review status: criteria provided, single submitter. Criteria: Invitae Variant Classification Sherloc (09022015). Collection method: clinical testing. Allele origin: germline.

All of Us Research Program, National Institutes of Health
Classification: Uncertain significance for Marfan syndrome. Last evaluated: 2024-09-23. Review status: criteria provided, single submitter. Criteria: ACMG Guidelines, 2015. Collection method: clinical testing. Allele origin: germline. Inheritance: Autosomal dominant inheritance. Observed: 5 variant alleles, 5 heterozygotes.
Comment: This missense variant replaces isoleucine with valine at codon 2117 of the FBN1 protein. Computational prediction suggests that this variant may not impact protein structure and function (internally defined REVEL score threshold <= 0.5, PMID: 27666373). To our knowledge, functional studies have not been reported for this variant. This variant has not been reported in individuals affected with FBN1-related disorders in the literature. This variant has been identified in 1/250642 chromosomes in the general population by the Genome Aggregation Database (gnomAD). The available evidence is insufficient to determine the role of this variant in disease conclusively. Therefore, this variant is classified as a Variant of Uncertain Significance.

This study involves interpretation of variants in research participants for the purpose of population health screening. Participant phenotype was not available at the time of variant classification. Additional details can be found in publication PMID: 35346344, PMCID: PMC8962531

Color Diagnostics, LLC DBA Color Health
Classification: Uncertain significance for Familial thoracic aortic aneurysm and aortic dissection. Last evaluated: 2024-05-11. Review status: criteria provided, single submitter. Criteria: ACMG Guidelines, 2015. Collection method: clinical testing. Allele origin: germline.
Comment: This missense variant replaces isoleucine with valine at codon 2117 of the FBN1 protein. Computational prediction tools indicate that this variant has a neutral impact on protein structure and function. To our knowledge, functional studies have not been reported for this variant. This variant has not been reported in individuals affected with FBN1-related disorders in the literature. This variant has been identified in 1/250642 chromosomes in the general population by the Genome Aggregation Database (gnomAD). The available evidence is insufficient to determine the role of this variant in disease conclusively. Therefore, this variant is classified as a Variant of Uncertain Significance.

PreventionGenetics, part of Exact Sciences
Classification: Uncertain significance for FBN1-related condition. Last evaluated: 2022-12-22. Review status: criteria provided, single submitter. Criteria: ACMG Guidelines, 2015. Collection method: clinical testing. Allele origin: germline.
Comment: The FBN1 c.6349A>G variant is predicted to result in the amino acid substitution p.Ile2117Val. This variant was reported in an individual with aortic dissection and considered to be a variant of uncertain significance (Zheng et al 2018. PubMed ID: 30056620, supplemental table 2). This variant is reported in 0.0062% of alleles in individuals of African descent in gnomAD. At this time, the clinical significance of this variant is uncertain due to the absence of conclusive functional and genetic evidence.

GeneDx
Classification: Uncertain significance. Last evaluated: 2021-06-09. Review status: criteria provided, single submitter. Criteria: GeneDx Variant Classification Process June 2021. Collection method: clinical testing. Allele origin: germline. Affected: yes.
Comment: Reported in an individual with acute aortic dissection (AAD) who underwent analysis of a panel of 69 AAD-associated genes (Zheng J et al. 2018); Not observed at significant frequency in large population cohorts (Lek et al., 2016); In silico analysis supports that this missense variant does not alter protein structure/function; This variant is associated with the following publications: (PMID: 26582918, 30056620, 27535533)